The following is an entry in ClinVar:

ClinVar aggregate classification (germline): Conflicting classifications of pathogenicity. Review status: criteria provided, conflicting classifications (1 of 4 stars). 2 submissions from 2 submitters: Uncertain significance (1); Likely benign (1). Last evaluated 2025-06-24.

Conditions:
Hereditary cancer-predisposing syndrome. Also called: Hereditary Cancer Syndrome; Tumor predisposition; Hereditary neoplastic syndrome; Neoplastic Syndromes, Hereditary. Identifiers: Orphanet 140162, MedGen C0027672, MeSH D009386, MONDO:0015356.
Familial cancer of breast. Also called: BREAST CANCER, FAMILIAL; Hereditary breast cancer; hereditary breast carcinoma. Identifiers: Orphanet 227535, MedGen C0346153, MONDO:0016419, OMIM 114480. Disease mechanism: loss of function.

Submissions (2):

Color Diagnostics, LLC DBA Color Health
Classification: Likely benign for Hereditary cancer-predisposing syndrome. Last evaluated: 2025-06-24. Review status: criteria provided, single submitter. Criteria: ACMG Guidelines, 2015. Collection method: clinical testing. Allele origin: germline.

Labcorp Genetics (formerly Invitae), Labcorp
Classification: Uncertain significance for Familial cancer of breast. Last evaluated: 2022-01-11. Review status: criteria provided, single submitter. Criteria: Invitae Variant Classification Sherloc (09022015). Collection method: clinical testing. Allele origin: germline.
Comment: This sequence change replaces glutamic acid, which is acidic and polar, with aspartic acid, which is acidic and polar, at codon 748 of the BARD1 protein (p.Glu748Asp). This variant is not present in population databases (gnomAD no frequency). This variant has not been reported in the literature in individuals affected with BARD1-related conditions. Algorithms developed to predict the effect of missense changes on protein structure and function (SIFT, PolyPhen-2, Align-GVGD) all suggest that this variant is likely to be tolerated. In summary, the available evidence is currently insufficient to determine the role of this variant in disease. Therefore, it has been classified as a Variant of Uncertain Significance.

NM_000465.4(BARD1):c.2244G>C (p.Glu748Asp)

Gene: BARD1 (BRCA1 associated RING domain 1; minus strand). Cytogenetic location: 2q35.
Variant type: single nucleotide variant.
Coding change: c.2244G>C on transcript NM_000465.4 (MANE Select); coding-DNA position 2244, G replaced by C.
Protein change: p.Glu748Asp; replaces glutamic acid 748 with aspartic acid.
Molecular consequence: missense variant. On other transcripts: non-coding transcript variant (3).
Genome position (GRCh38, 1-based): chr2:214,728,766, C>G on the plus strand (G>C on the coding strand, the complement: BARD1 is on the minus strand). VCF-style: chr2-214728766-C-G. GRCh37 (hg19) VCF-style: chr2-215593490-C-G.
Other names: c.2187G>C, p.Glu729Asp (NM_001282543.2); c.891G>C, p.Glu297Asp (NM_001282545.2); c.834G>C, p.Glu278Asp (NM_001282548.2); c.705G>C, p.Glu235Asp (NM_001282549.2); short protein forms E278D, E297D, E748D, E235D, E729D.
Identifiers: ClinVar variation 2078473 (VCV002078473.5), dbSNP rs1692200499, ClinGen allele CA350450009.
Genomic context (GRCh38, chr2:214,728,766, plus strand): 5'-CATCACACAGTCTATAAACCAGCTCGAAGGAGCCTTCCAGACTTTGCCCTGCCGAACCCT[C>G]TCTGGGTGATAATTACACAAATCTTCATAGATGATATACTGTGTGCAGAAGCGCTGATCA-3'
Protein context (NP_000456.2, residues 738-758): IYEDLCNYHP[Glu748Asp]RVRQGKVWKA